The following is an entry in ClinVar:

ClinVar aggregate classification (germline): Benign (1 of 4 stars; one submission).

Conditions:
Papillary renal cell carcinoma type 1 (RCCP1). Also called: Renal adenocarcinoma; Renal cell carcinoma 1; Renal cell carcinoma, somatic; RENAL CELL CARCINOMA, PAPILLARY, 1, SOMATIC. Identifiers: Orphanet 47044, MedGen C1336839, OMIM 605074, HP:0011797.

Submission:

Myriad Genetics, Inc.
Classification: Benign for Papillary renal cell carcinoma type 1. Last evaluated: 2024-11-07. Review status: criteria provided, single submitter. Criteria: Myriad Autosomal Dominant, Autosomal Recessive and X-Linked Classification Criteria (2023). Collection method: clinical testing. Allele origin: unknown.
Comment: This variant is considered benign. This variant is a silent/synonymous amino acid change and it is not expected to impact splicing.

NM_000245.4(MET):c.1251A>G (p.Arg417=)

Gene: MET (MET proto-oncogene, receptor tyrosine kinase; plus strand). Cytogenetic location: 7q31.2.
Variant type: single nucleotide variant.
Coding change: c.1251A>G on transcript NM_000245.4 (MANE Select); coding-DNA position 1251, A replaced by G.
Protein change: p.Arg417=; no amino-acid change (arginine 417 retained).
Molecular consequence: synonymous variant. On other transcripts: 5 prime UTR variant (1).
Genome position (GRCh38, 1-based): chr7:116,731,718, A>G. VCF-style: chr7-116731718-A-G. GRCh37 (hg19) VCF-style: chr7-116371772-A-G.
Other names: c.1251A>G, p.Arg417= (NM_001127500.3, NM_001324401.3); c.-40A>G (NM_001324402.2).
Identifiers: ClinVar variation 3773278 (VCV003773278.1).